The following is an entry in ClinVar:

ClinVar aggregate classification (germline): Benign/Likely benign. Review status: criteria provided, multiple submitters, no conflicts (2 of 4 stars). 6 submissions from 6 submitters: Benign (3); Likely benign (2). 1 of the submissions does not count toward it. Last evaluated 2026-02-03.

Conditions:
FOXP1-related disorder. Also called: FOXP1-related condition.
Inborn genetic diseases. Identifiers: MedGen C0950123, MeSH D030342.

Allele frequency attached by ClinVar (database versions not stated): 1000 Genomes Project 30x 0.00016; 1000 Genomes Project 0.00020; gnomAD exomes 0.00023 and 0.00032; ExAC 0.00026; gnomAD 0.00034; ESP Exome Variant Server 0.00038; TOPMed 0.00049.
gnomAD v4.1: 390 of 1,614,076 alleles (0.024%); highest among the groups gnomAD compares: Admixed American, 0.11%; no homozygotes.

Submissions (6):

Labcorp Genetics (formerly Invitae), Labcorp
Classification: Benign. Last evaluated: 2026-02-03. Review status: criteria provided, single submitter. Criteria: Invitae Variant Classification Sherloc (09022015). Collection method: clinical testing. Allele origin: germline.

Blueprint Genetics
Classification: Likely benign. Last evaluated: 2024-09-24. Review status: criteria provided, single submitter. Criteria: ACMG Guidelines, 2015. Collection method: clinical testing. Allele origin: germline.

Ambry Genetics
Classification: Benign for Inborn genetic diseases. Last evaluated: 2021-03-17. Review status: criteria provided, single submitter. Criteria: Ambry Variant Classification Scheme 2023. Collection method: clinical testing. Allele origin: germline.

GeneDx
Classification: Benign. Last evaluated: 2019-09-23. Review status: criteria provided, single submitter. Criteria: GeneDx Variant Classification Process June 2021. Collection method: clinical testing. Allele origin: germline. Affected: yes.

Eurofins Ntd Llc (ga)
Classification: Likely benign. Last evaluated: 2017-06-22. Review status: criteria provided, single submitter. Criteria: EGL Classification Definitions 2015. Collection method: clinical testing. Allele origin: germline. Observed: 1 variant allele, 1 heterozygote.

PreventionGenetics, part of Exact Sciences
Classification: Likely benign for FOXP1-related condition. Last evaluated: 2022-07-27. Review status: no assertion criteria provided. Collection method: clinical testing. Allele origin: germline. Not counted in ClinVar's aggregate classification.
Comment: This variant is classified as likely benign based on ACMG/AMP sequence variant interpretation guidelines (Richards et al. 2015 PMID: 25741868, with internal and published modifications).

NM_001349338.3(FOXP1):c.1762G>A (p.Ala588Thr)

Gene: FOXP1 (forkhead box P1; minus strand). Cytogenetic location: 3p13.
Variant type: single nucleotide variant.
Coding change: c.1762G>A on transcript NM_001349338.3 (MANE Select); coding-DNA position 1762, G replaced by A.
Protein change: p.Ala588Thr; replaces alanine 588 with threonine.
Molecular consequence: missense variant. On other transcripts: non-coding transcript variant (2).
Genome position (GRCh38, 1-based): chr3:70,966,017, C>T on the plus strand (G>A on the coding strand, the complement: FOXP1 is on the minus strand). VCF-style: chr3-70966017-C-T. GRCh37 (hg19) VCF-style: chr3-71015168-C-T.
Other names: c.1759G>A, p.Ala587Thr (NM_001244808.3, NM_001349341.3); c.1810G>A, p.Ala604Thr (NM_001244810.2); c.1534G>A, p.Ala512Thr (NM_001244812.3); c.1462G>A, p.Ala488Thr (NM_001244813.3, NM_001244815.2, NM_001349342.3); c.1762G>A, p.Ala588Thr (NM_001244814.3, NM_001244816.2, NM_001349340.3 and 1 more transcripts); c.1459G>A, p.Ala487Thr (NM_001349337.2, NM_001349343.3, NM_001349344.3 and 1 more transcripts); short protein forms A488T, A588T, A587T, A487T, A604T, A512T.
Identifiers: ClinVar variation 497696 (VCV000497696.22), dbSNP rs202173892, ClinGen allele CA2490825.